The following is an entry in ClinVar:

ClinVar aggregate classification (germline): Uncertain significance (1 of 4 stars; one submission).

gnomAD v4.1: 5 of 1,209,786 alleles (0.00041%); highest among the groups gnomAD compares: Non-Finnish European, 0.00056%; no homozygotes.

Submission:

Women's Health and Genetics/Laboratory Corporation of America, LabCorp
Classification: Uncertain significance. Last evaluated: 2025-11-19. Review status: criteria provided, single submitter. Criteria: LabCorp Variant Classification Summary - May 2015. Collection method: clinical testing. Allele origin: germline.
Comment: Variant summary: OCRL c.1988G>A (p.Arg663Gln) results in a conservative amino acid change in the encoded protein sequence. Algorithms developed to predict the effect of missense changes on protein structure and function are either unavailable or do not agree on the potential impact of this missense change. The variant allele was found at a frequency of 1.6e-05 in 183330 control chromosomes. The available data on variant occurrences in the general population are insufficient to allow any conclusion about variant significance. To our knowledge, no occurrence of c.1988G>A in individuals affected with OCRL-related conditions and no experimental evidence demonstrating its impact on protein function have been reported. No submitters have cited clinical-significance assessments for this variant to ClinVar. Based on the evidence outlined above, the variant was classified as uncertain significance.

NM_000276.4(OCRL):c.1988G>A (p.Arg663Gln)

Gene: OCRL (OCRL inositol polyphosphate-5-phosphatase; plus strand). Cytogenetic location: Xq26.1.
Variant type: single nucleotide variant.
Coding change: c.1988G>A on transcript NM_000276.4 (MANE Select); coding-DNA position 1988, G replaced by A.
Protein change: p.Arg663Gln; replaces arginine 663 with glutamine.
Molecular consequence: missense variant.
Genome position (GRCh38, 1-based): chrX:129,576,425, G>A. VCF-style: chrX-129576425-G-A. GRCh37 (hg19) VCF-style: chrX-128710402-G-A.
Other names: c.1991G>A, p.Arg664Gln (NM_001318784.2); c.1988G>A, p.Arg663Gln (NM_001587.4); short protein forms R663Q, R664Q.
Identifiers: ClinVar variation 4537297 (VCV004537297.1).